The following is an entry in ClinVar:

ClinVar aggregate classification (germline): Uncertain significance. Review status: criteria provided, multiple submitters, no conflicts (2 of 4 stars). 2 submissions from 2 submitters: Uncertain significance (2). Last evaluated 2026-07-07.

Conditions:
Hereditary cancer-predisposing syndrome. Also called: Tumor predisposition; Hereditary Cancer Syndrome; Hereditary neoplastic syndrome; Neoplastic Syndromes, Hereditary. Identifiers: Orphanet 140162, MedGen C0027672, MeSH D009386, MONDO:0015356.
Gorlin syndrome. Also called: Basal cell nevus syndrome; Nevoid Basal Cell Carcinoma Syndrome. Identifiers: Orphanet 377, MedGen C0004779, MONDO:0007187.
Medulloblastoma (MDB). Also called: MEDULLOBLASTOMA PREDISPOSITION SYNDROME; Medulloblastoma, somatic. Identifiers: Orphanet 616, MedGen C0025149, MeSH D008527, MONDO:0007959, OMIM 155255, HP:0002885.

Allele frequency attached by ClinVar (database versions not stated): gnomAD exomes below 0.00001.
gnomAD v4.1: 1 of 1,614,252 alleles (0.000062%); highest among the groups gnomAD compares: East Asian, 0.0022%; no homozygotes.

Submissions (2):

Ambry Genetics
Classification: Uncertain significance for Hereditary cancer-predisposing syndrome. Last evaluated: 2026-07-07. Review status: criteria provided, single submitter. Criteria: Ambry Variant Classification Scheme 2023. Collection method: clinical testing. Allele origin: germline.
Comment: The p.V440I variant (also known as c.1318G>A), located in coding exon 11 of the SUFU gene, results from a G to A substitution at nucleotide position 1318. The valine at codon 440 is replaced by isoleucine, an amino acid with highly similar properties. This amino acid position is conserved. In addition, this alteration is predicted to be tolerated by in silico analysis. Based on the available evidence, the clinical significance of this variant remains unclear.

Labcorp Genetics (formerly Invitae), Labcorp
Classification: Uncertain significance for Gorlin syndrome; Medulloblastoma. Last evaluated: 2022-04-23. Review status: criteria provided, single submitter. Criteria: Invitae Variant Classification Sherloc (09022015). Collection method: clinical testing. Allele origin: germline.
Comment: This sequence change replaces valine, which is neutral and non-polar, with isoleucine, which is neutral and non-polar, at codon 440 of the SUFU protein (p.Val440Ile). This variant is not present in population databases (gnomAD no frequency). This variant has not been reported in the literature in individuals affected with SUFU-related conditions. Algorithms developed to predict the effect of missense changes on protein structure and function (SIFT, PolyPhen-2, Align-GVGD) all suggest that this variant is likely to be tolerated. In summary, the available evidence is currently insufficient to determine the role of this variant in disease. Therefore, it has been classified as a Variant of Uncertain Significance.

NM_016169.4(SUFU):c.1318G>A (p.Val440Ile)

Gene: SUFU (SUFU negative regulator of hedgehog signaling; plus strand). Cytogenetic location: 10q24.32.
Variant type: single nucleotide variant.
Coding change: c.1318G>A on transcript NM_016169.4 (MANE Select); coding-DNA position 1318, G replaced by A.
Protein change: p.Val440Ile; replaces valine 440 with isoleucine.
Molecular consequence: missense variant.
Genome position (GRCh38, 1-based): chr10:102,627,196, G>A. VCF-style: chr10-102627196-G-A. GRCh37 (hg19) VCF-style: chr10-104386953-G-A.
Other names: short protein forms V440I.
Identifiers: ClinVar variation 2129567 (VCV002129567.5), dbSNP rs2492836836, ClinGen allele CA377918763.